The following is an entry in ClinVar:

ClinVar aggregate classification (germline): Uncertain significance. Review status: criteria provided, multiple submitters, no conflicts (2 of 4 stars). 4 submissions from 4 submitters: Uncertain significance (4). Last evaluated 2024-09-19.

Conditions:
Familial thoracic aortic aneurysm and aortic dissection (TAAD). Also called: Thoracic aortic aneurysms and dissections. Identifiers: Orphanet 91387, MedGen C4707243, MONDO:0019625.
Marfan syndrome (MFS). Also called: Marfan syndrome, classic; Marfan syndrome type 1; Marfan's syndrome; FBN1-Related Marfan Syndrome; MARFAN SYNDROME, TYPE I. Identifiers: Orphanet 284963, Orphanet 558, MedGen C0024796, MONDO:0007947, OMIM 154700.

Submissions (4):

Labcorp Genetics (formerly Invitae), Labcorp
Classification: Uncertain significance for Marfan syndrome; Familial thoracic aortic aneurysm and aortic dissection. Last evaluated: 2024-09-19. Review status: criteria provided, single submitter. Criteria: Invitae Variant Classification Sherloc (09022015). Collection method: clinical testing. Allele origin: germline.
Comment: This sequence change replaces threonine, which is neutral and polar, with isoleucine, which is neutral and non-polar, at codon 848 of the FBN1 protein (p.Thr848Ile). This variant is not present in population databases (gnomAD no frequency). This variant has not been reported in the literature in individuals affected with FBN1-related conditions. ClinVar contains an entry for this variant (Variation ID: 925226). Invitae Evidence Modeling of protein sequence and biophysical properties (such as structural, functional, and spatial information, amino acid conservation, physicochemical variation, residue mobility, and thermodynamic stability) has been performed for this missense variant. However, the output from this modeling did not meet the statistical confidence thresholds required to predict the impact of this variant on FBN1 protein function. In summary, the available evidence is currently insufficient to determine the role of this variant in disease. Therefore, it has been classified as a Variant of Uncertain Significance.

Color Diagnostics, LLC DBA Color Health
Classification: Uncertain significance for Familial thoracic aortic aneurysm and aortic dissection. Last evaluated: 2024-03-06. Review status: criteria provided, single submitter. Criteria: ACMG Guidelines, 2015. Collection method: clinical testing. Allele origin: germline.
Comment: This missense variant replaces threonine with isoleucine at codon 848 of the FBN1 protein. Computational prediction is inconclusive regarding the impact of this variant on protein structure and function (internally defined REVEL score threshold 0.5 < inconclusive < 0.7, PMID: 27666373). To our knowledge, functional studies have not been reported for this variant. This variant has not been reported in individuals affected with cardiovascular disorders in the literature. This variant has not been identified in the general population by the Genome Aggregation Database (gnomAD). The available evidence is insufficient to determine the role of this variant in disease conclusively. Therefore, this variant is classified as a Variant of Uncertain Significance.

Revvity Omics, Revvity
Classification: Uncertain significance. Last evaluated: 2023-12-04. Review status: criteria provided, single submitter. Criteria: ACMG Guidelines, 2015. Collection method: clinical testing. Allele origin: germline.

All of Us Research Program, National Institutes of Health
Classification: Uncertain significance for Marfan syndrome. Last evaluated: 2023-12-01. Review status: criteria provided, single submitter. Criteria: ACMG Guidelines, 2015. Collection method: clinical testing. Allele origin: germline. Inheritance: Autosomal dominant inheritance. Observed: 2 variant alleles, 2 heterozygotes.
Comment: This missense variant replaces threonine with isoleucine at codon 848 of the FBN1 protein. Computational prediction is inconclusive regarding the impact of this variant on protein structure and function (internally defined REVEL score threshold 0.5 < inconclusive < 0.7, PMID: 27666373). To our knowledge, functional studies have not been reported for this variant. This variant has not been reported in individuals affected with cardiovascular disorders in the literature. This variant has not been identified in the general population by the Genome Aggregation Database (gnomAD). The available evidence is insufficient to determine the role of this variant in disease conclusively. Therefore, this variant is classified as a Variant of Uncertain Significance.

This study involves interpretation of variants in research participants for the purpose of population health screening. Participant phenotype was not available at the time of variant classification. Additional details can be found in publication PMID: 35346344, PMCID: PMC8962531

NM_000138.5(FBN1):c.2543C>T (p.Thr848Ile)

Gene: FBN1 (fibrillin 1; minus strand). Cytogenetic location: 15q21.1.
Variant type: single nucleotide variant.
Coding change: c.2543C>T on transcript NM_000138.5 (MANE Select); coding-DNA position 2543, C replaced by T.
Protein change: p.Thr848Ile; replaces threonine 848 with isoleucine.
Molecular consequence: missense variant.
Genome position (GRCh38, 1-based): chr15:48,495,257, G>A on the plus strand (C>T on the coding strand, the complement: FBN1 is on the minus strand). VCF-style: chr15-48495257-G-A. GRCh37 (hg19) VCF-style: chr15-48787454-G-A.
Other names: short protein forms T848I.
Identifiers: ClinVar variation 925226 (VCV000925226.11), dbSNP rs878853680, ClinGen allele CA392332959.
Genomic context (GRCh38, chr15:48,495,257, plus strand): 5'-CCATTGATGTTGATCTCACATCGCCCATCAATGACAGTCTGCCAGCAAGTGCCCTTGATG[G>A]TTTCTGCAGAGGAGGGAATAATATTTAATAGAATCTATATAAAAATTCAAACATACACCT-3'
Protein context (NP_000129.3, residues 838-858): LDPTKTICIE[Thr848Ile]IKGTCWQTVI